The following is an entry in ClinVar:

NM_005618.4(DLL1):c.558G>T (p.Glu186Asp)

Gene: DLL1 (delta like canonical Notch ligand 1; minus strand). Cytogenetic location: 6q27.
Variant type: single nucleotide variant.
Coding change: c.558G>T on transcript NM_005618.4 (MANE Select); coding-DNA position 558, G replaced by T.
Protein change: p.Glu186Asp; replaces glutamic acid 186 with aspartic acid.
Molecular consequence: missense variant.
Genome position (GRCh38, 1-based): chr6:170,288,351, C>A on the plus strand (G>T on the coding strand, the complement: DLL1 is on the minus strand). VCF-style: chr6-170288351-C-A. GRCh37 (hg19) VCF-style: chr6-170597439-C-A.
Other names: short protein forms E186D.
Identifiers: ClinVar variation 4535362 (VCV004535362.6).
Genomic context (GRCh38, chr6:170,288,351, plus strand): 5'-CTCCCCACAGGTGAAGTGGCCGAAGGCATCGTCCCGGGGACGGCAGAAAACGGAGCAGCC[C>A]TCTCCGTAGTAGTGTTCGTCACACACGAAGCGGTAGGAGTACTTGAGGTCCGTGCGGCCG-3'
Protein context (NP_005609.3, residues 176-196): RFVCDEHYYG[Glu186Asp]GCSVFCRPRD

ClinVar aggregate classification (germline): Uncertain significance (1 of 4 stars; one submission).

Submission:

CeGaT Center for Human Genetics Tuebingen
Classification: Uncertain significance. Last evaluated: 2025-11-01. Review status: criteria provided, single submitter. Criteria: CeGaT Center For Human Genetics Tuebingen Variant Classification Criteria Version 2. Collection method: clinical testing. Allele origin: germline. Affected: yes. Observed: 1 variant allele.
Comment: DLL1: PM2